The following is an entry in ClinVar:

ClinVar aggregate classification (germline): Likely benign (1 of 4 stars; one submission).

Conditions:
TBXA2R-related disorder. Also called: TBXA2R-related condition.

gnomAD v4.1: 108 of 1,536,150 alleles (0.007%); highest among the groups gnomAD compares: South Asian, 0.069%; no homozygotes.

Submission:

PreventionGenetics, part of Exact Sciences
Classification: Likely benign for TBXA2R-related condition. Last evaluated: 2026-04-17. Review status: criteria provided, single submitter. Criteria: ACMG Guidelines, 2015. Collection method: clinical testing. Allele origin: germline.
Comment: This variant is classified as likely benign based on ACMG/AMP sequence variant interpretation guidelines (Richards et al. 2015 PMID: 25741868, with internal and published modifications).

NM_001060.6(TBXA2R):c.*747C>T

Gene: TBXA2R (thromboxane A2 receptor; minus strand). Cytogenetic location: 19p13.3.
Variant type: single nucleotide variant.
Coding change: c.*747C>T on transcript NM_001060.6 (MANE Select); 747 bases downstream of the stop codon, C replaced by T.
Molecular consequence: 3 prime UTR variant. On other transcripts: synonymous variant (1).
Genome position (GRCh38, 1-based): chr19:3,594,941, G>A on the plus strand (C>T on the coding strand, the complement: TBXA2R is on the minus strand). VCF-style: chr19-3594941-G-A. GRCh37 (hg19) VCF-style: chr19-3594939-G-A.
Other names: c.1119C>T, p.Cys373= (NM_201636.3).
Identifiers: ClinVar variation 4981684 (VCV004981684.1).